The following is an entry in ClinVar:

NM_006744.4(RBP4):c.470G>A (p.Arg157Gln)

Gene: RBP4 (retinol binding protein 4; minus strand). Cytogenetic location: 10q23.33.
Variant type: single nucleotide variant.
Coding change: c.470G>A on transcript NM_006744.4 (MANE Select); coding-DNA position 470, G replaced by A.
Protein change: p.Arg157Gln; replaces arginine 157 with glutamine.
Molecular consequence: missense variant.
Genome position (GRCh38, 1-based): chr10:93,593,921, C>T on the plus strand (G>A on the coding strand, the complement: RBP4 is on the minus strand). VCF-style: chr10-93593921-C-T. GRCh37 (hg19) VCF-style: chr10-95353678-C-T.
Other names: c.470G>A, p.Arg157Gln (NM_001323517.1); c.464G>A, p.Arg155Gln (NM_001323518.2); short protein forms R155Q, R157Q.
Identifiers: ClinVar variation 1938346 (VCV001938346.5), dbSNP rs2494058695, ClinGen allele CA377615496.

ClinVar aggregate classification (germline): Uncertain significance (1 of 4 stars; one submission).

Allele frequency attached by ClinVar (database versions not stated): gnomAD exomes below 0.00001.

Submission:

Labcorp Genetics (formerly Invitae), Labcorp
Classification: Uncertain significance. Last evaluated: 2025-05-28. Review status: criteria provided, single submitter. Criteria: Invitae Variant Classification Sherloc (09022015). Collection method: clinical testing. Allele origin: germline.
Comment: This sequence change replaces arginine, which is basic and polar, with glutamine, which is neutral and polar, at codon 157 of the RBP4 protein (p.Arg157Gln). This variant is not present in population databases (gnomAD no frequency). This variant has not been reported in the literature in individuals affected with RBP4-related conditions. ClinVar contains an entry for this variant (Variation ID: 1938346). An algorithm developed to predict the effect of missense changes on protein structure and function (PolyPhen-2) suggests that this variant is likely to be disruptive. Algorithms developed to predict the effect of sequence changes on RNA splicing suggest that this variant may create or strengthen a splice site. In summary, the available evidence is currently insufficient to determine the role of this variant in disease. Therefore, it has been classified as a Variant of Uncertain Significance.